The following is an entry in ClinVar:

ClinVar aggregate classification (germline): Uncertain significance. Review status: criteria provided, multiple submitters, no conflicts (2 of 4 stars). 3 submissions from 3 submitters: Uncertain significance (2). 1 of the submissions does not count toward it. Last evaluated 2021-08-28.

Conditions:
Primary ciliary dyskinesia. Also called: Ciliary dyskinesia. Identifiers: Orphanet 244, MedGen C0008780, MONDO:0016575, HP:0012265.

Allele frequency attached by ClinVar (database versions not stated): ExAC 0.00001; gnomAD 0.00002; gnomAD exomes 0.00002 and 0.00003; TOPMed 0.00003.
gnomAD v4.1: 39 of 1,607,042 alleles (0.0024%); highest among the groups gnomAD compares: Non-Finnish European, 0.0031%; no homozygotes.

Submissions (3):

Labcorp Genetics (formerly Invitae), Labcorp
Classification: Uncertain significance for Primary ciliary dyskinesia. Last evaluated: 2021-08-28. Review status: criteria provided, single submitter. Criteria: Invitae Variant Classification Sherloc (09022015). Collection method: clinical testing. Allele origin: germline.
Comment: This sequence change replaces lysine with arginine at codon 553 of the DNAH5 protein (p.Lys553Arg). The lysine residue is weakly conserved and there is a small physicochemical difference between lysine and arginine. This variant is present in population databases (rs767525835, ExAC 0.002%). This variant has not been reported in the literature in individuals affected with DNAH5-related conditions. Algorithms developed to predict the effect of missense changes on protein structure and function output the following: SIFT: "Tolerated"; PolyPhen-2: "Possibly Damaging"; Align-GVGD: "Class C0". The arginine amino acid residue is found in multiple mammalian species, which suggests that this missense change does not adversely affect protein function. In summary, the available evidence is currently insufficient to determine the role of this variant in disease. Therefore, it has been classified as a Variant of Uncertain Significance.

Ambry Genetics
Classification: Uncertain significance for Primary ciliary dyskinesia. Last evaluated: 2014-06-25. Review status: criteria provided, single submitter. Criteria: Ambry Variant Classification Scheme 2023. Collection method: clinical testing. Allele origin: germline.
Comment: The p.K553R variant (also known as c.1658A>G), located in coding exon 13 of the DNAH5 gene, results from an A to G substitution at nucleotide position 1658. The lysine at codon 553 is replaced by arginine, an amino acid with highly similar properties. This variant was not reported in population based cohorts in the following databases: Database of Single Nucleotide Polymorphisms (dbSNP), NHLBI Exome Sequencing Project (ESP), and 1000 Genomes Project. In the ESP, this variant was not observed in 6494 samples (12988 alleles) with coverage at this position. This amino acid position is not well conserved in available vertebrate species. In addition, R is the reference amino acid in mouse, rat, and zebra finch. In addition, this alteration is predicted to be tolerated by in silico analysis. Since supporting evidence is limited at this time, the clinical significance of this variant remains unclear.

Natera, Inc.
Classification: Uncertain significance for Primary ciliary dyskinesia. Last evaluated: 2019-10-28. Review status: no assertion criteria provided. Collection method: clinical testing. Allele origin: germline. Not counted in ClinVar's aggregate classification.

NM_001369.3(DNAH5):c.1658A>G (p.Lys553Arg)

Gene: DNAH5 (dynein axonemal heavy chain 5; minus strand). Cytogenetic location: 5p15.2.
Variant type: single nucleotide variant.
Coding change: c.1658A>G on transcript NM_001369.3 (MANE Select); coding-DNA position 1658, A replaced by G.
Protein change: p.Lys553Arg; replaces lysine 553 with arginine.
Molecular consequence: missense variant.
Genome position (GRCh38, 1-based): chr5:13,902,125, T>C on the plus strand (A>G on the coding strand, the complement: DNAH5 is on the minus strand). VCF-style: chr5-13902125-T-C. GRCh37 (hg19) VCF-style: chr5-13902234-T-C.
Other names: short protein forms K553R.
Identifiers: ClinVar variation 407253 (VCV000407253.8), dbSNP rs767525835, ClinGen allele CA3204769.